The following is an entry in ClinVar:

NM_005502.4(ABCA1):c.6695A>G (p.Asp2232Gly)

Genes: ABCA1 (ATP binding cassette subfamily A member 1; minus strand), NIPSNAP3B (nipsnap homolog 3B; plus strand). Cytogenetic location: 9q31.1.
Variant type: single nucleotide variant.
Coding change: c.6695A>G on transcript NM_005502.4 (MANE Select); coding-DNA position 6695, A replaced by G.
Protein change: p.Asp2232Gly; replaces aspartic acid 2232 with glycine.
Molecular consequence: missense variant.
Genome position (GRCh38, 1-based): chr9:104,784,406, T>C on the plus strand (A>G on the coding strand, the complement: ABCA1 is on the minus strand). VCF-style: chr9-104784406-T-C. GRCh37 (hg19) VCF-style: chr9-107546687-T-C.
Other names: c.6695A>G (NM_005502.3); short protein forms D2232G.
Identifiers: ClinVar variation 2888409 (VCV002888409.4), dbSNP rs765921869, ClinGen allele CA5167481.

ClinVar aggregate classification (germline): Uncertain significance. Review status: criteria provided, multiple submitters, no conflicts (2 of 4 stars). 2 submissions from 2 submitters: Uncertain significance (2). Last evaluated 2025-07-09.

Conditions:
Cardiovascular phenotype. Identifiers: MedGen CN230736.

Allele frequency attached by ClinVar (database versions not stated): gnomAD 0.00001; gnomAD exomes 0.00001; TOPMed 0.00001; ExAC 0.00002.
gnomAD v4.1: 22 of 1,613,902 alleles (0.0014%); highest among the groups gnomAD compares: Non-Finnish European, 0.0019%; no homozygotes.

Submissions (2):

Ambry Genetics
Classification: Uncertain significance for Cardiovascular phenotype. Last evaluated: 2025-07-09. Review status: criteria provided, single submitter. Criteria: Ambry Variant Classification Scheme 2023. Collection method: clinical testing. Allele origin: germline.
Comment: The p.D2232G variant (also known as c.6695A>G), located in coding exon 49 of the ABCA1 gene, results from an A to G substitution at nucleotide position 6695. The aspartic acid at codon 2232 is replaced by glycine, an amino acid with similar properties. This amino acid position is conserved. In addition, the in silico prediction for this alteration is inconclusive. Based on the available evidence, the clinical significance of this variant remains unclear.

Labcorp Genetics (formerly Invitae), Labcorp
Classification: Uncertain significance. Last evaluated: 2023-10-10. Review status: criteria provided, single submitter. Criteria: Invitae Variant Classification Sherloc (09022015). Collection method: clinical testing. Allele origin: germline.
Comment: This sequence change replaces aspartic acid, which is acidic and polar, with glycine, which is neutral and non-polar, at codon 2232 of the ABCA1 protein (p.Asp2232Gly). This variant is present in population databases (rs765921869, gnomAD 0.003%). This variant has not been reported in the literature in individuals affected with ABCA1-related conditions. Advanced modeling of protein sequence and biophysical properties (such as structural, functional, and spatial information, amino acid conservation, physicochemical variation, residue mobility, and thermodynamic stability) performed at Invitae indicates that this missense variant is not expected to disrupt ABCA1 protein function. In summary, the available evidence is currently insufficient to determine the role of this variant in disease. Therefore, it has been classified as a Variant of Uncertain Significance.